The following is an entry in ClinVar:

ClinVar aggregate classification (germline): Uncertain significance (1 of 4 stars; one submission).

Conditions:
Ellis-van Creveld syndrome (EVC). Also called: EVC2-Related Ellis-van Creveld Syndrome; EVC-Related Ellis-van Creveld Syndrome; Chondroectodermal dysplasia; MESOECTODERMAL DYSPLASIA. Identifiers: Orphanet 289, MedGen C0013903, MONDO:0009162, OMIM 225500.
Curry-Hall syndrome (WAD). Also called: WEYERS ACRODENTAL DYSOSTOSIS. Identifiers: Orphanet 952, MedGen C0457013, MONDO:0008673, OMIM 193530.

Allele frequency attached by ClinVar (database versions not stated): gnomAD exomes below 0.00001.
gnomAD v4.1: 1 of 1,614,196 alleles (0.000062%); highest among the groups gnomAD compares: East Asian, 0.0022%; no homozygotes.

Submission:

Labcorp Genetics (formerly Invitae), Labcorp
Classification: Uncertain significance for Curry-Hall syndrome; Ellis-van Creveld syndrome. Last evaluated: 2022-07-30. Review status: criteria provided, single submitter. Criteria: Invitae Variant Classification Sherloc (09022015). Collection method: clinical testing. Allele origin: germline.
Comment: In summary, the available evidence is currently insufficient to determine the role of this variant in disease. Therefore, it has been classified as a Variant of Uncertain Significance. Algorithms developed to predict the effect of missense changes on protein structure and function output the following: SIFT: "Tolerated"; PolyPhen-2: "Benign"; Align-GVGD: "Class C0". The leucine amino acid residue is found in multiple mammalian species, which suggests that this missense change does not adversely affect protein function. This variant has not been reported in the literature in individuals affected with EVC-related conditions. This variant is not present in population databases (gnomAD no frequency). This sequence change replaces proline, which is neutral and non-polar, with leucine, which is neutral and non-polar, at codon 544 of the EVC protein (p.Pro544Leu).

NM_153717.3(EVC):c.1631C>T (p.Pro544Leu)

Gene: EVC (EvC ciliary complex subunit 1; plus strand). Cytogenetic location: 4p16.2.
Variant type: single nucleotide variant.
Coding change: c.1631C>T on transcript NM_153717.3 (MANE Select); coding-DNA position 1631, C replaced by T.
Protein change: p.Pro544Leu; replaces proline 544 with leucine.
Molecular consequence: missense variant.
Genome position (GRCh38, 1-based): chr4:5,783,619, C>T. VCF-style: chr4-5783619-C-T. GRCh37 (hg19) VCF-style: chr4-5785346-C-T.
Other names: c.1631C>T, p.Pro544Leu (NM_001306090.2); short protein forms P544L.
Identifiers: ClinVar variation 1714356 (VCV001714356.5), dbSNP rs2476468205, ClinGen allele CA356160753.